The following is an entry in ClinVar:

ClinVar aggregate classification (germline): Uncertain significance. Review status: criteria provided, multiple submitters, no conflicts (2 of 4 stars). 2 submissions from 2 submitters: Uncertain significance (2). Last evaluated 2024-05-02.

Conditions:
Intellectual developmental disorder, autosomal dominant 1. Also called: MBD5 Haploinsufficiency; Intellectual disability, autosomal dominant 1. Identifiers: Orphanet 228402, MedGen C1969562, MONDO:0007974, OMIM 156200.

Allele frequency attached by ClinVar (database versions not stated): gnomAD exomes below 0.00001; ExAC 0.00001.
gnomAD v4.1: 2 of 1,614,046 alleles (0.00012%); highest among the groups gnomAD compares: South Asian, 0.0011%; no homozygotes.

Submissions (2):

GeneDx
Classification: Uncertain significance. Last evaluated: 2024-05-02. Review status: criteria provided, single submitter. Criteria: GeneDx Variant Classification Process June 2021. Collection method: clinical testing. Allele origin: germline. Affected: yes.
Comment: Not observed at significant frequency in large population cohorts (gnomAD); In silico analysis indicates that this missense variant does not alter protein structure/function; Has not been previously published as pathogenic or benign to our knowledge

Labcorp Genetics (formerly Invitae), Labcorp
Classification: Uncertain significance for Intellectual developmental disorder, autosomal dominant 1. Last evaluated: 2023-10-12. Review status: criteria provided, single submitter. Criteria: Invitae Variant Classification Sherloc (09022015). Collection method: clinical testing. Allele origin: germline.
Comment: This sequence change replaces proline, which is neutral and non-polar, with alanine, which is neutral and non-polar, at codon 944 of the MBD5 protein (p.Pro944Ala). This variant is present in population databases (rs751266582, gnomAD 0.003%). This variant has not been reported in the literature in individuals affected with MBD5-related conditions. Advanced modeling of protein sequence and biophysical properties (such as structural, functional, and spatial information, amino acid conservation, physicochemical variation, residue mobility, and thermodynamic stability) performed at Invitae indicates that this missense variant is not expected to disrupt MBD5 protein function. In summary, the available evidence is currently insufficient to determine the role of this variant in disease. Therefore, it has been classified as a Variant of Uncertain Significance.

NM_001378120.1(MBD5):c.2830C>G (p.Pro944Ala)

Gene: MBD5 (methyl-CpG binding domain protein 5; plus strand). Cytogenetic location: 2q23.1.
Variant type: single nucleotide variant.
Coding change: c.2830C>G on transcript NM_001378120.1 (MANE Select); coding-DNA position 2830, C replaced by G.
Protein change: p.Pro944Ala; replaces proline 944 with alanine.
Molecular consequence: missense variant.
Genome position (GRCh38, 1-based): chr2:148,483,421, C>G. VCF-style: chr2-148483421-C-G. GRCh37 (hg19) VCF-style: chr2-149240990-C-G.
Other names: c.2830C>G (NM_018328.4); c.2830C>G, p.Pro944Ala (NM_018328.5); short protein forms P944A.
Identifiers: ClinVar variation 2767756 (VCV002767756.4), dbSNP rs751266582, ClinGen allele CA1900222.